The following is an entry in ClinVar:

ClinVar aggregate classification (germline): Uncertain significance. Review status: criteria provided, multiple submitters, no conflicts (2 of 4 stars). 4 submissions from 4 submitters: Uncertain significance (3). 1 of the submissions does not count toward it. Last evaluated 2025-03-04.

Conditions:
DICER1-related disorder. Also called: DICER1-related condition.
DICER1-related tumor predisposition. Also called: DICER1 syndrome; DICER1-related pleuropulmonary blastoma cancer predisposition syndrome. Identifiers: Orphanet 284343, MedGen C3839822, MONDO:0100216.
Hereditary cancer-predisposing syndrome. Also called: Hereditary neoplastic syndrome; Neoplastic Syndromes, Hereditary; Tumor predisposition; Hereditary Cancer Syndrome. Identifiers: Orphanet 140162, MedGen C0027672, MeSH D009386, MONDO:0015356.

Allele frequency attached by ClinVar (database versions not stated): gnomAD exomes below 0.00001; ExAC 0.00001.
gnomAD v4.1: 2 of 1,613,960 alleles (0.00012%); highest among the groups gnomAD compares: Non-Finnish European, 0.00017%; no homozygotes.

Submissions (4):

Center for Genomic Medicine, Rigshospitalet, Copenhagen University Hospital
Classification: Uncertain significance. Last evaluated: 2025-03-04. Review status: criteria provided, single submitter. Criteria: ACMG Guidelines, 2015. Collection method: clinical testing. Allele origin: germline.

Labcorp Genetics (formerly Invitae), Labcorp
Classification: Uncertain significance for DICER1-related tumor predisposition. Last evaluated: 2025-01-03. Review status: criteria provided, single submitter. Criteria: Invitae Variant Classification Sherloc (09022015). Collection method: clinical testing. Allele origin: germline.
Comment: This sequence change replaces threonine, which is neutral and polar, with alanine, which is neutral and non-polar, at codon 238 of the DICER1 protein (p.Thr238Ala). This variant is present in population databases (rs760627991, gnomAD 0.0009%). This variant has not been reported in the literature in individuals affected with DICER1-related conditions. ClinVar contains an entry for this variant (Variation ID: 1042849). Invitae Evidence Modeling of protein sequence and biophysical properties (such as structural, functional, and spatial information, amino acid conservation, physicochemical variation, residue mobility, and thermodynamic stability) indicates that this missense variant is not expected to disrupt DICER1 protein function with a negative predictive value of 95%. In summary, the available evidence is currently insufficient to determine the role of this variant in disease. Therefore, it has been classified as a Variant of Uncertain Significance.

Ambry Genetics
Classification: Uncertain significance for Hereditary cancer-predisposing syndrome. Last evaluated: 2024-06-14. Review status: criteria provided, single submitter. Criteria: Ambry Variant Classification Scheme 2023. Collection method: clinical testing. Allele origin: germline.
Comment: The p.T238A variant (also known as c.712A>G), located in coding exon 5 of the DICER1 gene, results from an A to G substitution at nucleotide position 712. The threonine at codon 238 is replaced by alanine, an amino acid with similar properties. This amino acid position is conserved. In addition, the in silico prediction for this alteration is inconclusive. Based on the available evidence, the clinical significance of this variant remains unclear.

PreventionGenetics, part of Exact Sciences
Classification: Uncertain significance for DICER1-related condition. Last evaluated: 2024-02-15. Review status: no assertion criteria provided. Collection method: clinical testing. Allele origin: germline. Not counted in ClinVar's aggregate classification.
Comment: The DICER1 c.712A>G variant is predicted to result in the amino acid substitution p.Thr238Ala. To our knowledge, this variant has not been reported in the literature. This variant is reported in 0.00088% of alleles in individuals of European (Non-Finnish) descent in gnomAD, indicating it is rare. This variant is interpreted as uncertain in ClinVar. At this time, the clinical significance of this variant is uncertain due to the absence of conclusive functional and genetic evidence.

NM_177438.3(DICER1):c.712A>G (p.Thr238Ala)

Gene: DICER1 (dicer 1, ribonuclease III; minus strand). Cytogenetic location: 14q32.13.
Variant type: single nucleotide variant.
Coding change: c.712A>G on transcript NM_177438.3 (MANE Select); coding-DNA position 712, A replaced by G.
Protein change: p.Thr238Ala; replaces threonine 238 with alanine.
Molecular consequence: missense variant.
Genome position (GRCh38, 1-based): chr14:95,129,494, T>C on the plus strand (A>G on the coding strand, the complement: DICER1 is on the minus strand). VCF-style: chr14-95129494-T-C. GRCh37 (hg19) VCF-style: chr14-95595831-T-C.
Other names: c.712A>G (NM_177438.2); c.712A>G, p.Thr238Ala (NM_001195573.1, NM_001271282.3, NM_001291628.2 and 1 more transcripts); short protein forms T238A.
Identifiers: ClinVar variation 1042849 (VCV001042849.14), dbSNP rs760627991, ClinGen allele CA7331597.